The following is an entry in ClinVar:

NM_015922.3(NSDHL):c.589G>A (p.Ala197Thr)

Gene: NSDHL (NAD(P) dependent 3-beta-hydroxysteroid dehydrogenase NSDHL; plus strand). Cytogenetic location: Xq28.
Variant type: single nucleotide variant.
Coding change: c.589G>A on transcript NM_015922.3 (MANE Select); coding-DNA position 589, G replaced by A.
Protein change: p.Ala197Thr; replaces alanine 197 with threonine.
Molecular consequence: missense variant.
Genome position (GRCh38, 1-based): chrX:152,865,864, G>A. VCF-style: chrX-152865864-G-A. GRCh37 (hg19) VCF-style: chrX-152034408-G-A.
Other names: c.589G>A, p.Ala197Thr (NM_001129765.2, NM_001441099.1); short protein forms A197T.
Identifiers: ClinVar variation 4882366 (VCV004882366.2).

ClinVar aggregate classification (germline): Uncertain significance (1 of 4 stars; one submission).

Conditions:
CK syndrome. Also called: MENTAL RETARDATION, X-LINKED, WITH THIN BODY HABITUS AND CORTICAL MALFORMATION. Identifiers: Orphanet 251383, MedGen C3151781, MONDO:0010441, OMIM 300831.

Submission:

Dasa
Classification: Uncertain significance for CK syndrome. Last evaluated: 2025-07-12. Review status: criteria provided, single submitter. Criteria: DASA Assertion Criteria. Collection method: clinical testing. Allele origin: germline.
Comment: NM_015922.3(NSDHL):c.589G>A (p.Ala197Thr) is a missense variant that results in the substitution of alanine with threonine. This variant is absent from population databases. Computational prediction algorithms are consistent with a deleterious effect. The currently available literature and clinical evidence are not sufficient to establish a definitive association between this variant and the reported condition. Therefore, this variant is classified as a variant of uncertain significance.